The following is an entry in ClinVar:

ClinVar aggregate classification (germline): Uncertain significance (1 of 4 stars; one submission).

Conditions:
Psoriasis 2. Identifiers: MedGen C1864497, MONDO:0011269, OMIM 602723.
Pityriasis rubra pilaris (PRP). Also called: Pityriasis rubra pilaris--familial type. Identifiers: Orphanet 2897, MedGen C0032027, MONDO:0100017, OMIM 173200, MONDO:0008251.

gnomAD v4.1: 2 of 1,613,500 alleles (0.00012%); highest among the groups gnomAD compares: African/African-American, 0.0027%; no homozygotes.

Submission:

Labcorp Genetics (formerly Invitae), Labcorp
Classification: Uncertain significance for Pityriasis rubra pilaris; Psoriasis 2. Last evaluated: 2022-08-31. Review status: criteria provided, single submitter. Criteria: Invitae Variant Classification Sherloc (09022015). Collection method: clinical testing. Allele origin: germline.
Comment: In summary, the available evidence is currently insufficient to determine the role of this variant in disease. Therefore, it has been classified as a Variant of Uncertain Significance. Algorithms developed to predict the effect of missense changes on protein structure and function are either unavailable or do not agree on the potential impact of this missense change (SIFT: "Tolerated"; PolyPhen-2: "Possibly Damaging"; Align-GVGD: "Class C0"). ClinVar contains an entry for this variant (Variation ID: 1363669). This variant has not been reported in the literature in individuals affected with CARD14-related conditions. This variant is not present in population databases (gnomAD no frequency). This sequence change replaces glutamic acid, which is acidic and polar, with glutamine, which is neutral and polar, at codon 581 of the CARD14 protein (p.Glu581Gln).

NM_001366385.1(CARD14):c.1741G>C (p.Glu581Gln)

Gene: CARD14 (caspase recruitment domain family member 14; plus strand). Cytogenetic location: 17q25.3.
Variant type: single nucleotide variant.
Coding change: c.1741G>C on transcript NM_001366385.1 (MANE Select); coding-DNA position 1741, G replaced by C.
Protein change: p.Glu581Gln; replaces glutamic acid 581 with glutamine.
Molecular consequence: missense variant. On other transcripts: non-coding transcript variant (1).
Genome position (GRCh38, 1-based): chr17:80,198,481, G>C. VCF-style: chr17-80198481-G-C. GRCh37 (hg19) VCF-style: chr17-78172280-G-C.
Other names: c.1741G>C, p.Glu581Gln (NM_001257970.1, NM_024110.4); c.1030G>C, p.Glu344Gln (NM_052819.3); short protein forms E344Q, E581Q.
Identifiers: ClinVar variation 1363669 (VCV001363669.8), dbSNP rs2144349776, ClinGen allele CA401351131.
Genomic context (GRCh38, chr17:80,198,481, plus strand): 5'-CCAGCCCGCAGGATCCTGAGCCAGGTCACCATGCTGGCGTTCCAGGGGGATGCATTGCTG[G>C]AGCAGATCAGCGTCATCGGCGGGAACCTCACGGGCATCTTCATCCACCGGGTCACCCCGG-3'
Protein context (NP_001353314.1, residues 571-591): MLAFQGDALL[Glu581Gln]QISVIGGNLT